The following is an entry in ClinVar:

ClinVar aggregate classification (germline): Uncertain significance (1 of 4 stars; one submission).

Submission:

Ambry Genetics
Classification: Uncertain significance. Last evaluated: 2022-01-27. Review status: criteria provided, single submitter. Criteria: Ambry Variant Classification Scheme 2023. Collection method: clinical testing. Allele origin: germline.
Comment: The p.V276A variant (also known as c.827T>C), located in coding exon 5 of the IDH1 gene, results from a T to C substitution at nucleotide position 827. The valine at codon 276 is replaced by alanine, an amino acid with similar properties. This amino acid position is conserved. In addition, this alteration is predicted to be deleterious by in silico analysis. Since supporting evidence is limited at this time, the clinical significance of this alteration remains unclear.

NM_005896.4(IDH1):c.827T>C (p.Val276Ala)

Gene: IDH1 (isocitrate dehydrogenase (NADP(+)) 1; minus strand). Cytogenetic location: 2q34.
Variant type: single nucleotide variant.
Coding change: c.827T>C on transcript NM_005896.4 (MANE Select); coding-DNA position 827, T replaced by C.
Protein change: p.Val276Ala; replaces valine 276 with alanine.
Molecular consequence: missense variant.
Genome position (GRCh38, 1-based): chr2:208,242,017, A>G on the plus strand (T>C on the coding strand, the complement: IDH1 is on the minus strand). VCF-style: chr2-208242017-A-G. GRCh37 (hg19) VCF-style: chr2-209106741-A-G.
Other names: c.827T>C, p.Val276Ala (NM_001282386.1, NM_001282387.1); short protein forms V276A.
Identifiers: ClinVar variation 1762730 (VCV001762730.2), dbSNP rs2469019393, ClinGen allele CA350096010.